The following is an entry in ClinVar:

ClinVar aggregate classification (germline): Conflicting classifications of pathogenicity. Review status: criteria provided, conflicting classifications (1 of 4 stars). 3 submissions from 3 submitters: Likely pathogenic (1); Uncertain significance (1). 1 of the submissions does not count toward it. Last evaluated 2026-05-13.

Conditions:
Cardiovascular phenotype. Identifiers: MedGen CN230736.
Marfan syndrome (MFS). Also called: Marfan syndrome type 1; Marfan's syndrome; MARFAN SYNDROME, TYPE I; Marfan syndrome, classic; FBN1-Related Marfan Syndrome. Identifiers: Orphanet 284963, Orphanet 558, MedGen C0024796, MONDO:0007947, OMIM 154700.

Submissions (3):

Molecular Diagnostic Laboratory for Inherited Cardiovascular Disease, Montreal Heart Institute
Classification: Likely pathogenic for Cardiovascular phenotype. Last evaluated: 2026-05-13. Review status: criteria provided, single submitter. Criteria: ACMG Guidelines, 2015. Collection method: clinical testing. Allele origin: germline. Affected: yes.
Comment: PVS1_strong, PS4_supp, PM2, PP4

GeneDx
Classification: Uncertain significance. Last evaluated: 2021-04-19. Review status: criteria provided, single submitter. Criteria: GeneDx Variant Classification Process June 2021. Collection method: clinical testing. Allele origin: germline. Affected: yes.
Comment: Not observed in large population cohorts (Lek et al., 2016); Located at the intronic +5 splice site; however, the natural splice donor site of intron 63 is not predicted by in-silico analysis. In the absence of RNA/functional studies, the actual effect of this sequence change is unknown; This variant is associated with the following publications: (PMID: 25525159, 9401003, 18435798)

Department of Laboratory Medicine and Genetics, Samsung Medical Center
Classification: Likely pathogenic for Marfan syndrome. Last evaluated: 2025-01-02. Review status: no assertion criteria provided. Collection method: clinical testing. Allele origin: germline. Affected: yes. Not counted in ClinVar's aggregate classification.
Comment: The NM_000138.5:c.7819+5G>A is considered to be rare in the general population database (gnomAD v2.1.1). This variant is predicted to be deleterious by in-silico analysis (SpliceAI). This variant was found in a patient with Marfan syndrome (PMID: 9401003; 18435798). According to the ClinGen guidance for PP1/BS4 and PP4 criteria (PMID: 38103548), PP4 with weighted strength was applied. In summary, this variant was classified as a likely pathogenic variant for Marfan syndrome (PP3, PP4 with weighted strength, PS4_P, PM2_P).

Literature cited by the submitters: PubMed 9401003 (cited by Department of Laboratory Medicine and Genetics, Samsung Medical Center); PubMed 18435798 (cited by Department of Laboratory Medicine and Genetics, Samsung Medical Center); PubMed 37558401 (cited by Department of Laboratory Medicine and Genetics, Samsung Medical Center).

NM_000138.5(FBN1):c.7819+5G>A

Gene: FBN1 (fibrillin 1; minus strand). Cytogenetic location: 15q21.1.
Variant type: single nucleotide variant.
Coding change: c.7819+5G>A on transcript NM_000138.5 (MANE Select); 5 bases into the intron after coding-DNA position 7819, G replaced by A.
Molecular consequence: intron variant.
Genome position (GRCh38, 1-based): chr15:48,420,682, C>T on the plus strand (G>A on the coding strand, the complement: FBN1 is on the minus strand). VCF-style: chr15-48420682-C-T. GRCh37 (hg19) VCF-style: chr15-48712879-C-T.
Other names: c.7819+5G>A (NM_000138.4).
Identifiers: ClinVar variation 1303099 (VCV001303099.4), dbSNP rs2141220566, ClinGen allele CA2573054023.